The following is an entry in ClinVar:

NM_001079855.2(GYG2):c.64del (p.Leu22fs)

Gene: GYG2 (glycogenin 2; plus strand). Cytogenetic location: Xp22.33.
Variant type: Deletion.
Coding change: c.64del on transcript NM_001079855.2 (MANE Select); coding-DNA position 64, one base deleted (C; older notation c.64delC).
Protein change: p.Leu22fs; shifts the reading frame from leucine 22.
Molecular consequence: frameshift variant. On other transcripts: intron variant (1).
Genome position (GRCh38, 1-based): chrX:2,843,269, C deleted; the last of 3 consecutive C bases (chrX:2,843,267-2,843,269); deleting any one gives the same sequence. VCF-style (leftmost placement, unchanged base first): chrX-2843266-GC-G. GRCh37 (hg19) VCF-style: chrX-2761307-GC-G.
Other names: c.64del, p.Leu22fs (NM_001184702.2); c.157del, p.Leu53fs (NM_001184703.2, NM_003918.3); c.-316-10711del (NM_001184704.2); short protein forms L22fs, L53fs.
Identifiers: ClinVar variation 2019144 (VCV002019144.4), dbSNP rs2519295392, ClinGen allele CA2580100342.

ClinVar aggregate classification (germline): Uncertain significance (1 of 4 stars; one submission).

Submission:

Labcorp Genetics (formerly Invitae), Labcorp
Classification: Uncertain significance. Last evaluated: 2025-10-21. Review status: criteria provided, single submitter. Criteria: Invitae Variant Classification Sherloc (09022015). Collection method: clinical testing. Allele origin: germline.
Comment: This sequence change creates a premature translational stop signal (p.Leu53Trpfs*7) in the GYG2 gene. It is expected to result in an absent or disrupted protein product. However, the current clinical and genetic evidence is not sufficient to establish whether loss-of-function variants in GYG2 cause disease. This variant is not present in population databases (gnomAD no frequency). This variant has not been reported in the literature in individuals affected with GYG2-related conditions. ClinVar contains an entry for this variant (Variation ID: 2019144). In summary, the available evidence is currently insufficient to determine the role of this variant in disease. Therefore, it has been classified as a Variant of Uncertain Significance.